The following is an entry in ClinVar:

NM_017739.4(POMGNT1):c.1027-5C>G

Genes: POMGNT1 (protein O-linked mannose N-acetylglucosaminyltransferase 1 (beta 1,2-); minus strand), TSPAN1 (tetraspanin 1; plus strand). Cytogenetic location: 1p34.1.
Variant type: single nucleotide variant.
Coding change: c.1027-5C>G on transcript NM_017739.4 (MANE Select); 5 bases into the intron before coding-DNA position 1027, C replaced by G.
Molecular consequence: intron variant.
Genome position (GRCh38, 1-based): chr1:46,193,393, G>C on the plus strand (C>G on the coding strand, the complement: POMGNT1 is on the minus strand). VCF-style: chr1-46193393-G-C. GRCh37 (hg19) VCF-style: chr1-46659065-G-C.
Other names: c.1027-5C>G (NM_001243766.2, NM_001438686.1, NM_001438688.1 and 3 more transcripts); c.961-5C>G (NM_001290129.3, NM_001438691.1, NM_001438692.1); c.598-5C>G (NM_001290130.2).
Identifiers: ClinVar variation 1423881 (VCV001423881.6), dbSNP rs779435288, ClinGen allele CA833510.
Genomic context (GRCh38, chr1:46,193,393, plus strand): 5'-ATGGGAGTATGCTGGATGCCCCTCAGACCAAACAGTGCCACCACATCCATGGGTTCCTGG[G>C]GGACATGGCCACTGCTCACCATGTGAGGTCACTTTCCCTCTGCCCACCTCTGCAATCCAA-3'

ClinVar aggregate classification (germline): Uncertain significance (1 of 4 stars; one submission).

Conditions:
Autosomal recessive limb-girdle muscular dystrophy type 2O. Also called: Limb-Girdle Muscular Dystrophy Type 3C; MUSCULAR DYSTROPHY-DYSTROGLYCANOPATHY (LIMB-GIRDLE), TYPE C, 3; MUSCULAR DYSTROPHY-DYSTROGLYCANOPATHY, LIMB-GIRDLE, POMGNT1-RELATED. Identifiers: Orphanet 206564, MedGen C3150417, MONDO:0013161, OMIM 613157.
Muscular dystrophy-dystroglycanopathy (congenital with impaired intellectual development), type B, 3. Also called: MUSCULAR DYSTROPHY, CONGENITAL, POMGNT1-RELATED; Muscular dystrophy-dystroglycanopathy (congenital with intellectual disability), type B3. Identifiers: MedGen C3150412, MONDO:0013155, OMIM 613151.

Allele frequency attached by ClinVar (database versions not stated): gnomAD exomes 0.00001 and 0.00002; gnomAD 0.00002; ExAC 0.00003.
gnomAD v4.1: 10 of 1,611,218 alleles (0.00062%); highest among the groups gnomAD compares: South Asian, 0.011%; no homozygotes.

Submission:

Labcorp Genetics (formerly Invitae), Labcorp
Classification: Uncertain significance for Autosomal recessive limb-girdle muscular dystrophy type 2O; Muscular dystrophy-dystroglycanopathy (congenital with impaired intellectual development), type B, 3. Last evaluated: 2021-08-06. Review status: criteria provided, single submitter. Criteria: Invitae Variant Classification Sherloc (09022015). Collection method: clinical testing. Allele origin: germline.
Comment: This sequence change falls in intron 11 of the POMGNT1 gene. It does not directly change the encoded amino acid sequence of the POMGNT1 protein. In summary, the available evidence is currently insufficient to determine the role of this variant in disease. Therefore, it has been classified as a Variant of Uncertain Significance. Algorithms developed to predict the effect of sequence changes on RNA splicing suggest that this variant may disrupt the consensus splice site, but this prediction has not been confirmed by published transcriptional studies. This variant has not been reported in the literature in individuals with POMGNT1-related conditions. This variant is present in population databases (rs779435288, ExAC 0.02%).